The following is an entry in ClinVar:

ClinVar aggregate classification (germline): Conflicting classifications of pathogenicity. Review status: criteria provided, conflicting classifications (1 of 4 stars). 5 submissions from 5 submitters: Uncertain significance (1); Benign (1); Likely benign (3). Last evaluated 2026-01-27.

Conditions:
Inborn genetic diseases. Identifiers: MedGen C0950123, MeSH D030342.

Allele frequency attached by ClinVar (database versions not stated): 1000 Genomes Project 0.00060; 1000 Genomes Project 30x 0.00094; ESP Exome Variant Server 0.00155; gnomAD exomes 0.00157; TOPMed 0.00170; gnomAD 0.00179 and 0.00180; ExAC 0.00254.
gnomAD v4.1: 4,748 of 1,575,042 alleles (0.3%); highest among the groups gnomAD compares: Non-Finnish European, 0.37%; 12 homozygotes.

Submissions (5):

Labcorp Genetics (formerly Invitae), Labcorp
Classification: Likely benign. Last evaluated: 2026-01-27. Review status: criteria provided, single submitter. Criteria: Invitae Variant Classification Sherloc (09022015). Collection method: clinical testing. Allele origin: germline.

CeGaT Center for Human Genetics Tuebingen
Classification: Benign. Last evaluated: 2026-01-01. Review status: criteria provided, single submitter. Criteria: CeGaT Center For Human Genetics Tuebingen Variant Classification Criteria Version 2. Collection method: clinical testing. Allele origin: germline. Affected: yes. Observed: 2 variant alleles.
Comment: ARHGEF18: BP4, BS1, BS2

Blueprint Genetics
Classification: Likely benign. Last evaluated: 2024-11-26. Review status: criteria provided, single submitter. Criteria: ACMG Guidelines, 2015. Collection method: clinical testing. Allele origin: germline.

Ambry Genetics
Classification: Uncertain significance for Inborn genetic diseases. Last evaluated: 2021-09-27. Review status: criteria provided, single submitter. Criteria: Ambry Variant Classification Scheme 2023. Collection method: clinical testing. Allele origin: germline.

Breakthrough Genomics
Classification: Likely benign. Review status: criteria provided, single submitter. Criteria: ACMG Guidelines, 2015. Collection method: not provided. Allele origin: germline. Inheritance: Autosomal recessive inheritance. Affected: yes.

NM_001367823.1(ARHGEF18):c.3556G>A (p.Gly1186Ser)

Gene: ARHGEF18 (Rho/Rac guanine nucleotide exchange factor 18; plus strand). Cytogenetic location: 19p13.2.
Variant type: single nucleotide variant.
Coding change: c.3556G>A on transcript NM_001367823.1 (MANE Select); coding-DNA position 3556, G replaced by A.
Protein change: p.Gly1186Ser; replaces glycine 1186 with serine.
Molecular consequence: missense variant.
Genome position (GRCh38, 1-based): chr19:7,468,900, G>A. VCF-style: chr19-7468900-G-A. GRCh37 (hg19) VCF-style: chr19-7533786-G-A.
Other names: c.2830G>A, p.Gly944Ser (NM_001130955.2); c.2518G>A, p.Gly840Ser (NM_001367824.1, NM_015318.4); short protein forms G1186S, G944S, G840S.
Identifiers: ClinVar variation 725169 (VCV000725169.21), dbSNP rs180746700, ClinGen allele CA9137169.